The following is an entry in ClinVar:

NM_006828.4(ASCC3):c.3730C>G (p.Gln1244Glu)

Gene: ASCC3 (activating signal cointegrator 1 complex subunit 3; minus strand). Cytogenetic location: 6q16.3.
Variant type: single nucleotide variant.
Coding change: c.3730C>G on transcript NM_006828.4 (MANE Select); coding-DNA position 3730, C replaced by G.
Protein change: p.Gln1244Glu; replaces glutamine 1244 with glutamic acid.
Molecular consequence: missense variant.
Genome position (GRCh38, 1-based): chr6:100,644,033, G>C on the plus strand (C>G on the coding strand, the complement: ASCC3 is on the minus strand). VCF-style: chr6-100644033-G-C. GRCh37 (hg19) VCF-style: chr6-101091909-G-C.
Other names: short protein forms Q1244E.
Identifiers: ClinVar variation 3573894 (VCV003573894.2).

ClinVar aggregate classification (germline): Uncertain significance (1 of 4 stars; one submission).

gnomAD v4.1: 40 of 1,601,754 alleles (0.0025%); highest among the groups gnomAD compares: Non-Finnish European, 0.0033%; no homozygotes.

Submission:

GeneDx
Classification: Uncertain significance. Last evaluated: 2025-02-24. Review status: criteria provided, single submitter. Criteria: GeneDx Variant Classification Process June 2021. Collection method: clinical testing. Allele origin: germline.
Comment: In silico analysis indicates that this missense variant does not alter protein structure/function; Has not been previously published as pathogenic or benign to our knowledge